The following is an entry in ClinVar:

ClinVar aggregate classification (germline): Uncertain significance (1 of 4 stars; one submission).

Conditions:
Inborn genetic diseases. Identifiers: MedGen C0950123, MeSH D030342.

Allele frequency attached by ClinVar (database versions not stated): gnomAD exomes below 0.00001; ExAC 0.00001.
gnomAD v4.1: 3 of 1,569,416 alleles (0.00019%); highest among the groups gnomAD compares: Non-Finnish European, 0.00018%; no homozygotes.

Submission:

Ambry Genetics
Classification: Uncertain significance for Inborn genetic diseases. Last evaluated: 2024-01-25. Review status: criteria provided, single submitter. Criteria: Ambry Variant Classification Scheme 2023. Collection method: clinical testing. Allele origin: germline.
Comment: The p.V1245L variant (also known as c.3733G>C), located in coding exon 20 of the ATR gene, results from a G to C substitution at nucleotide position 3733. The valine at codon 1245 is replaced by leucine, an amino acid with highly similar properties. This amino acid position is conserved. In addition, the in silico prediction for this alteration is inconclusive. Based on the available evidence, the clinical significance of this alteration remains unclear.

NM_001184.4(ATR):c.3733G>C (p.Val1245Leu)

Gene: ATR (ATR checkpoint kinase; minus strand). Cytogenetic location: 3q23.
Variant type: single nucleotide variant.
Coding change: c.3733G>C on transcript NM_001184.4 (MANE Select); coding-DNA position 3733, G replaced by C.
Protein change: p.Val1245Leu; replaces valine 1245 with leucine.
Molecular consequence: missense variant.
Genome position (GRCh38, 1-based): chr3:142,536,194, C>G on the plus strand (G>C on the coding strand, the complement: ATR is on the minus strand). VCF-style: chr3-142536194-C-G. GRCh37 (hg19) VCF-style: chr3-142255036-C-G.
Other names: c.3541G>C, p.Val1181Leu (NM_001354579.2); short protein forms V1181L, V1245L.
Identifiers: ClinVar variation 3221139 (VCV003221139.1), dbSNP rs777279987, ClinGen allele CA2650010.